The following is an entry in ClinVar:

ClinVar aggregate classification (germline): Uncertain significance. Review status: criteria provided, multiple submitters, no conflicts (2 of 4 stars). 2 submissions from 2 submitters: Uncertain significance (2). Last evaluated 2024-04-30.

Conditions:
Cystic fibrosis (CF). Also called: MUCOVISCIDOSIS. Identifiers: Orphanet 586, MedGen C0010674, MONDO:0009061, OMIM 219700. Disease mechanism: loss of function.

Submissions (2):

Women's Health and Genetics/Laboratory Corporation of America, LabCorp
Classification: Uncertain significance. Last evaluated: 2024-04-30. Review status: criteria provided, single submitter. Criteria: LabCorp Variant Classification Summary - May 2015. Collection method: clinical testing. Allele origin: germline.
Comment: Variant summary: CFTR c.3418A>T (p.Met1140Leu) results in a conservative amino acid change located in the ABC transporter type 1, transmembrane domain (IPR011527) of the encoded protein sequence. Three of four in-silico tools predict a benign effect of the variant on protein function. The variant was absent in 251164 control chromosomes. The available data on variant occurrences in the general population are insufficient to allow any conclusion about variant significance. c.3418A>T has been reported in the literature in an individual affected with CFTR-related metabolic syndrome (Prach_2013). These data do not allow any conclusion about variant significance. To our knowledge, no experimental evidence demonstrating an impact on protein function has been reported. The following publication has been ascertained in the context of this evaluation (PMID: 23810505). ClinVar contains an entry for this variant (Variation ID: 2751207). Based on the evidence outlined above, the variant was classified as uncertain significance.

Labcorp Genetics (formerly Invitae), Labcorp
Classification: Uncertain significance for Cystic fibrosis. Last evaluated: 2023-08-08. Review status: criteria provided, single submitter. Criteria: Invitae Variant Classification Sherloc (09022015). Collection method: clinical testing. Allele origin: germline.
Comment: In summary, the available evidence is currently insufficient to determine the role of this variant in disease. Therefore, it has been classified as a Variant of Uncertain Significance. Advanced modeling of protein sequence and biophysical properties (such as structural, functional, and spatial information, amino acid conservation, physicochemical variation, residue mobility, and thermodynamic stability) performed at Invitae indicates that this missense variant is not expected to disrupt CFTR protein function. This missense change has been observed in individual(s) with clinical features of CFTR-related conditions (PMID: 23810505). This variant is not present in population databases (gnomAD no frequency). This sequence change replaces methionine, which is neutral and non-polar, with leucine, which is neutral and non-polar, at codon 1140 of the CFTR protein (p.Met1140Leu).

Literature cited by the submitters: PubMed 23810505 (cited by Women's Health and Genetics/Laboratory Corporation of America, LabCorp and Labcorp Genetics (formerly Invitae), Labcorp).

NM_000492.4(CFTR):c.3418A>T (p.Met1140Leu)

Genes: CFTR (CF transmembrane conductance regulator; plus strand), CFTR-AS2 (CFTR antisense RNA 2; minus strand). Cytogenetic location: 7q31.2.
Variant type: single nucleotide variant.
Coding change: c.3418A>T on transcript NM_000492.4 (MANE Select); coding-DNA position 3418, A replaced by T.
Protein change: p.Met1140Leu; replaces methionine 1140 with leucine.
Molecular consequence: missense variant.
Genome position (GRCh38, 1-based): chr7:117,614,663, A>T. VCF-style: chr7-117614663-A-T. GRCh37 (hg19) VCF-style: chr7-117254717-A-T.
Other names: short protein forms M1140L.
Identifiers: ClinVar variation 2751207 (VCV002751207.4), dbSNP rs774415786, ClinGen allele CA368993506.